The following is an entry in ClinVar:

ClinVar aggregate classification (germline): Benign/Likely benign. Review status: criteria provided, multiple submitters, no conflicts (2 of 4 stars). 5 submissions from 5 submitters: Benign (3); Likely benign (2). Last evaluated 2026-01-25.

Conditions:
Lysinuric protein intolerance (LPI). Identifiers: Orphanet 470, MedGen C0268647, MONDO:0009109, OMIM 222700.

Allele frequency attached by ClinVar (database versions not stated): ESP Exome Variant Server 0.00031; TOPMed 0.00036; 1000 Genomes Project 30x 0.00156; 1000 Genomes Project 0.00180; gnomAD exomes 0.00269 and 0.00648; gnomAD 0.00544 and 0.00578; ExAC 0.00582.
gnomAD v4.1: 4,738 of 1,614,108 alleles (0.29%); highest among the groups gnomAD compares: East Asian, 0.17%; 141 homozygotes.

Submissions (5):

Labcorp Genetics (formerly Invitae), Labcorp
Classification: Benign for Lysinuric protein intolerance. Last evaluated: 2026-01-25. Review status: criteria provided, single submitter. Criteria: Invitae Variant Classification Sherloc (09022015). Collection method: clinical testing. Allele origin: germline.

CeGaT Center for Human Genetics Tuebingen
Classification: Likely benign. Last evaluated: 2025-11-01. Review status: criteria provided, single submitter. Criteria: CeGaT Center For Human Genetics Tuebingen Variant Classification Criteria Version 2. Collection method: clinical testing. Allele origin: germline. Affected: yes. Observed: 4 variant alleles.
Comment: SLC7A7: BP4, BS2

Genome-Nilou Lab
Classification: Benign for Lysinuric protein intolerance. Last evaluated: 2021-11-07. Review status: criteria provided, single submitter. Criteria: ACMG Guidelines, 2015. Collection method: clinical testing. Allele origin: germline. Affected: no.

Illumina Laboratory Services, Illumina
Classification: Likely benign for Lysinuric protein intolerance. Last evaluated: 2018-01-13. Review status: criteria provided, single submitter. Criteria: ICSL Variant Classification Criteria 13 December 2019. Collection method: clinical testing. Allele origin: germline.
Comment: This variant was observed in the ICSL laboratory as part of a predisposition screen in an ostensibly healthy population. It had not been previously curated by ICSL or reported in the Human Gene Mutation Database (HGMD: prior to June 1st, 2018), and was therefore a candidate for classification through an automated scoring system. Utilizing variant allele frequency, disease prevalence and penetrance estimates, and inheritance mode, an automated score was calculated to assess if this variant is too frequent to cause the disease. Based on the score and internal cut-off values, a variant classified as likely benign is not then subjected to further curation. The score for this variant resulted in a classification of likely benign for this disease.

GeneDx
Classification: Benign. Last evaluated: 2017-08-29. Review status: criteria provided, single submitter. Criteria: GeneDx Variant Classification (06012015). Collection method: clinical testing. Allele origin: germline. Affected: yes.
Comment: This variant is considered likely benign or benign based on one or more of the following criteria: it is a conservative change, it occurs at a poorly conserved position in the protein, it is predicted to be benign by multiple in silico algorithms, and/or has population frequency not consistent with disease.

NM_003982.4(SLC7A7):c.1119G>A (p.Leu373=)

Gene: SLC7A7 (solute carrier family 7 member 7; minus strand). Cytogenetic location: 14q11.2.
Variant type: single nucleotide variant.
Coding change: c.1119G>A on transcript NM_003982.4 (MANE Select); coding-DNA position 1119, G replaced by A.
Protein change: p.Leu373=; no amino-acid change (leucine 373 retained).
Molecular consequence: synonymous variant.
Genome position (GRCh38, 1-based): chr14:22,774,480, C>T on the plus strand (G>A on the coding strand, the complement: SLC7A7 is on the minus strand). VCF-style: chr14-22774480-C-T. GRCh37 (hg19) VCF-style: chr14-23243689-C-T.
Other names: c.1119G>A, p.Leu373= (NM_001126105.3, NM_001126106.4).
Identifiers: ClinVar variation 312816 (VCV000312816.40), dbSNP rs1805062, ClinGen allele CA7104474.